The following is an entry in ClinVar:

NM_000246.4(CIITA):c.2625C>G (p.Ser875Arg)

Gene: CIITA (class II major histocompatibility complex transactivator; plus strand). Cytogenetic location: 16p13.13.
Variant type: single nucleotide variant.
Coding change: c.2625C>G on transcript NM_000246.4 (MANE Select); coding-DNA position 2625, C replaced by G.
Protein change: p.Ser875Arg; replaces serine 875 with arginine.
Molecular consequence: missense variant. On other transcripts: intron variant (1).
Genome position (GRCh38, 1-based): chr16:10,908,117, C>G. VCF-style: chr16-10908117-C-G. GRCh37 (hg19) VCF-style: chr16-11001974-C-G.
Other names: c.2628C>G, p.Ser876Arg (NM_001286402.1, NM_001379332.1); c.2481C>G, p.Ser827Arg (NM_001379330.1); c.2478C>G, p.Ser826Arg (NM_001379331.1); c.2625C>G, p.Ser875Arg (NM_001379333.1); c.2556C>G, p.Ser852Arg (NM_001379334.1); c.860-866C>G (NM_001286403.2); short protein forms S852R, S876R, S826R, S827R, S875R.
Identifiers: ClinVar variation 1506825 (VCV001506825.6), dbSNP rs775002771, ClinGen allele CA394734002.
Genomic context (GRCh38, chr16:10,908,117, plus strand): 5'-GGGCCAAGACTTCTCCCTGGACCTCCGCAGCACTGGCATTTGCCCCTCTGGATTGGGGAG[C>G]CTCGTGGGACTCAGCTGTGTCACCCGTTTCAGGTGGGGTGAGGGGCTTGGGGAAGAGACA-3'
Protein context (NP_000237.2, residues 865-885): STGICPSGLG[Ser875Arg]LVGLSCVTRF

ClinVar aggregate classification (germline): Uncertain significance (1 of 4 stars; one submission).

Conditions:
MHC class II deficiency. Also called: Bare lymphocyte syndrome 2; BLS, TYPE II. Identifiers: Orphanet 572, MedGen C5447452, MONDO:0008855.

Submission:

Labcorp Genetics (formerly Invitae), Labcorp
Classification: Uncertain significance for MHC class II deficiency. Last evaluated: 2022-07-19. Review status: criteria provided, single submitter. Criteria: Invitae Variant Classification Sherloc (09022015). Collection method: clinical testing. Allele origin: germline.
Comment: In summary, the available evidence is currently insufficient to determine the role of this variant in disease. Therefore, it has been classified as a Variant of Uncertain Significance. Algorithms developed to predict the effect of missense changes on protein structure and function (SIFT, PolyPhen-2, Align-GVGD) all suggest that this variant is likely to be tolerated. ClinVar contains an entry for this variant (Variation ID: 1506825). This variant has not been reported in the literature in individuals affected with CIITA-related conditions. This variant is not present in population databases (gnomAD no frequency). This sequence change replaces serine, which is neutral and polar, with arginine, which is basic and polar, at codon 875 of the CIITA protein (p.Ser875Arg).